The following is an entry in ClinVar:

ClinVar aggregate classification (germline): Pathogenic (1 of 4 stars; one submission).

Conditions:
Hereditary cancer-predisposing syndrome. Also called: Hereditary Cancer Syndrome; Neoplastic Syndromes, Hereditary; Tumor predisposition; Hereditary neoplastic syndrome. Identifiers: Orphanet 140162, MedGen C0027672, MeSH D009386, MONDO:0015356.

Submission:

Ambry Genetics
Classification: Pathogenic for Hereditary cancer-predisposing syndrome. Last evaluated: 2020-01-10. Review status: criteria provided, single submitter. Criteria: Ambry Variant Classification Scheme 2023. Collection method: clinical testing. Allele origin: germline.
Comment: The c.5431_5432ins37 variant, located in coding exon 35 of the ATM gene, results from an insertion of 37 nucleotides at position 5431, causing a translational frameshift with a predicted alternate stop codon (p.C1811Lfs*5). This alteration is expected to result in loss of function by premature protein truncation or nonsense-mediated mRNA decay. As such, this alteration is interpreted as a disease-causing mutation.

NM_000051.4(ATM):c.5431_5432insTATCCAAATCATGACATTTGGATAAAGACACTGACTT (p.Cys1811delinsLeuSerLysSerTer)

Gene: ATM (ATM serine/threonine kinase; plus strand). Cytogenetic location: 11q22.3.
Variant type: Insertion.
Coding change: c.5431_5432insTATCCAAATCATGACATTTGGATAAAGACACTGACTT on transcript NM_000051.4 (MANE Select); coding-DNA positions 5431 to 5432, TATCCAAATCATGACATTTGGATAAAGACACTGACTT inserted.
Protein change: p.Cys1811delinsLeuSerLysSerTer.
Molecular consequence: nonsense.
Genome position: GRCh38: chr11:108,302,964-108,302,965. GRCh37 (hg19): chr11:108,173,691-108,173,692.
Other names: c.5431_5432insTATCCAAATCATGACATTTGGATAAAGACACTGACTT, p.Cys1811delinsLeuSerLysSerTer (NM_001351834.2).
Identifiers: ClinVar variation 1747500 (VCV001747500.2), dbSNP rs2546979794, ClinGen allele CA2580083124.